The following is an entry in ClinVar:

ClinVar aggregate classification (germline): Uncertain significance (1 of 4 stars; one submission).

Conditions:
Charcot-Marie-Tooth disease type 4. Also called: Charcot-Marie-Tooth, Type 4; Charcot-Marie-Tooth disease, type IV. Identifiers: Orphanet 64749, MedGen C4082197, MONDO:0018995.

Allele frequency attached by ClinVar (database versions not stated): gnomAD exomes below 0.00001.
gnomAD v4.1: 1 of 1,584,030 alleles (0.000063%); highest among the groups gnomAD compares: Non-Finnish European, 0.000087%; no homozygotes.

Submission:

Labcorp Genetics (formerly Invitae), Labcorp
Classification: Uncertain significance for Charcot-Marie-Tooth disease type 4. Last evaluated: 2017-08-13. Review status: criteria provided, single submitter. Criteria: Invitae Variant Classification Sherloc (09022015). Collection method: clinical testing. Allele origin: germline.
Comment: This sequence change falls in intron 5 of the SBF2 gene. It does not directly change the encoded amino acid sequence of the SBF2 protein, but it affects a nucleotide within the consensus splice site of the intron. This variant is not present in population databases (ExAC no frequency). This variant has not been reported in the literature in individuals with SBF2-related disease. Nucleotide substitutions within the consensus splice site are a relatively common cause of aberrant splicing (PMID: 17576681, 9536098). Algorithms developed to predict the effect of sequence changes on RNA splicing suggest that this variant may disrupt the consensus splice site, but this prediction has not been confirmed by published transcriptional studies. In summary, the available evidence is currently insufficient to determine the role of this variant in disease. Therefore, it has been classified as a Variant of Uncertain Significance.

Literature cited by the submitters: PubMed 17576681; PubMed 9536098.

NM_030962.4(SBF2):c.513+4A>G

Gene: SBF2 (SET binding factor 2; minus strand). Cytogenetic location: 11p15.4.
Variant type: single nucleotide variant.
Coding change: c.513+4A>G on transcript NM_030962.4 (MANE Select); 4 bases into the intron after coding-DNA position 513, A replaced by G.
Molecular consequence: intron variant.
Genome position (GRCh38, 1-based): chr11:10,029,761, T>C on the plus strand (A>G on the coding strand, the complement: SBF2 is on the minus strand). VCF-style: chr11-10029761-T-C. GRCh37 (hg19) VCF-style: chr11-10051308-T-C.
Other names: c.513+4A>G (NM_001386342.1, NM_001386339.1).
Identifiers: ClinVar variation 543388 (VCV000543388.7), dbSNP rs1554990552, ClinGen allele CA658797593.